The following is an entry in ClinVar:

NM_001365951.3(KIF1B):c.356T>C (p.Ile119Thr)

Gene: KIF1B (kinesin family member 1B; plus strand). Cytogenetic location: 1p36.22.
Variant type: single nucleotide variant.
Coding change: c.356T>C on transcript NM_001365951.3 (MANE Select); coding-DNA position 356, T replaced by C.
Protein change: p.Ile119Thr; replaces isoleucine 119 with threonine.
Molecular consequence: missense variant.
Genome position (GRCh38, 1-based): chr1:10,258,665, T>C. VCF-style: chr1-10258665-T-C. GRCh37 (hg19) VCF-style: chr1-10318723-T-C.
Other names: c.356T>C, p.Ile119Thr (NM_001365952.1, NM_001365953.1, NM_015074.3 and 1 more transcripts); short protein forms I119T.
Identifiers: ClinVar variation 1732785 (VCV001732785.2), dbSNP rs1647936628, ClinGen allele CA338325767.

ClinVar aggregate classification (germline): Uncertain significance (1 of 4 stars; one submission).

Allele frequency attached by ClinVar (database versions not stated): gnomAD exomes below 0.00001; TOPMed below 0.00001.
gnomAD v4.1: 1 of 1,614,124 alleles (0.000062%); highest among the groups gnomAD compares: South Asian, 0.0011%; no homozygotes.

Submission:

Ambry Genetics
Classification: Uncertain significance. Last evaluated: 2022-01-21. Review status: criteria provided, single submitter. Criteria: Ambry Variant Classification Scheme 2023. Collection method: clinical testing. Allele origin: germline.
Comment: The p.I119T variant (also known as c.356T>C), located in coding exon 3 of the KIF1B gene, results from a T to C substitution at nucleotide position 356. The isoleucine at codon 119 is replaced by threonine, an amino acid with similar properties. This amino acid position is conserved. In addition, this alteration is predicted to be deleterious by in silico analysis. Since supporting evidence is limited at this time, the clinical significance of this alteration remains unclear.